The following is an entry in ClinVar:

ClinVar aggregate classification (germline): Uncertain significance (1 of 4 stars; one submission).

Submission:

Women's Health and Genetics/Laboratory Corporation of America, LabCorp
Classification: Uncertain significance. Last evaluated: 2025-01-07. Review status: criteria provided, single submitter. Criteria: LabCorp Variant Classification Summary - May 2015. Collection method: clinical testing. Allele origin: germline.
Comment: Variant summary: CLCF1 c.1A>T (p.Met1Leu) alters the initiation codon and is predicted to result either in absence of the protein or truncation of the encoded protein due to translation initiation at a downstream codon. The next downstream start codon is Met11, with no known pathogenic variants upstream of this codon. Two of two in-silico tools predict a benign effect of the variant on protein function. The frequency data for this variant in gnomAD is considered unreliable, as metrics indicate poor data quality at this position. To our knowledge, no occurrence of c.1A>T in individuals affected with Cold-Induced Sweating Syndrome and no experimental evidence demonstrating its impact on protein function have been reported. No submitters have cited clinical-significance assessments for this variant to ClinVar. Based on the evidence outlined above, the variant was classified as uncertain significance.

NM_013246.3(CLCF1):c.1A>T (p.Met1Leu)

Genes: CLCF1 (cardiotrophin like cytokine factor 1; minus strand), LOC100130987 (uncharacterized LOC100130987; plus strand). Cytogenetic location: 11q13.2.
Variant type: single nucleotide variant.
Coding change: c.1A>T on transcript NM_013246.3 (MANE Select); coding-DNA position 1, A replaced by T.
Protein change: p.Met1Leu; changes the start codon (methionine 1).
Molecular consequence: missense variant, initiator codon variant. On other transcripts: intron variant (1).
Genome position (GRCh38, 1-based): chr11:67,373,539, T>A on the plus strand (A>T on the coding strand, the complement: CLCF1 is on the minus strand). VCF-style: chr11-67373539-T-A. GRCh37 (hg19) VCF-style: chr11-67141010-T-A.
Other names: c.-15+508A>T (NM_001166212.2); short protein forms M1L.
Identifiers: ClinVar variation 3769216 (VCV003769216.2).